The following is an entry in ClinVar:

NM_001276345.2(TNNT2):c.97G>T (p.Glu33Ter)

Gene: TNNT2 (troponin T2, cardiac type; minus strand). Cytogenetic location: 1q32.1.
Variant type: single nucleotide variant.
Coding change: c.97G>T on transcript NM_001276345.2 (MANE Select); coding-DNA position 97, G replaced by T.
Protein change: p.Glu33Ter; replaces glutamic acid 33 with a stop codon.
Molecular consequence: nonsense. On other transcripts: intron variant (4).
Genome position (GRCh38, 1-based): chr1:201,369,816, C>A on the plus strand (G>T on the coding strand, the complement: TNNT2 is on the minus strand). VCF-style: chr1-201369816-C-A. GRCh37 (hg19) VCF-style: chr1-201338944-C-A.
Other names: c.97G>T, p.Glu33Ter (NM_000364.4, NM_001276346.2); c.53-1589G>T (NM_001001432.3); c.68-1589G>T (NM_001001431.3, NM_001001430.3, NM_001276347.2); short protein forms E33*.
Identifiers: ClinVar variation 546249 (VCV000546249.5), dbSNP rs377474357, ClinGen allele CA089131.

ClinVar aggregate classification (germline): Uncertain significance. Review status: criteria provided, multiple submitters, no conflicts (2 of 4 stars). 6 submissions from 4 submitters: Uncertain significance (5). 1 of the submissions does not count toward it. Last evaluated 2023-11-04.

Conditions:
Cardiomyopathy, familial restrictive, 3. Identifiers: Orphanet 75249, MedGen C2676271, MONDO:0012900, OMIM 612422.
Hypertrophic cardiomyopathy 2. Also called: TNNT2-Related Familial Hypertrophic Cardiomyopathy. Identifiers: MedGen C1861864, MONDO:0007266, OMIM 115195.
Dilated cardiomyopathy 1D. Identifiers: Orphanet 154, Orphanet 54260, MedGen C1832243, MONDO:0011095, OMIM 601494.

Allele frequency attached by ClinVar (database versions not stated): gnomAD 0.00001; TOPMed 0.00001.
gnomAD v4.1: 33 of 1,614,064 alleles (0.002%); highest among the groups gnomAD compares: Non-Finnish European, 0.0026%; no homozygotes.

Submissions (6):

Genome-Nilou Lab
Classification: Uncertain significance for Dilated cardiomyopathy 1D. Last evaluated: 2023-11-04. Review status: criteria provided, single submitter. Criteria: ACMG Guidelines, 2015. Collection method: clinical testing. Allele origin: germline. Affected: no.

Genome-Nilou Lab
Classification: Uncertain significance for Cardiomyopathy, familial restrictive, 3. Last evaluated: 2023-11-04. Review status: criteria provided, single submitter. Criteria: ACMG Guidelines, 2015. Collection method: clinical testing. Allele origin: germline. Affected: no.

Genome-Nilou Lab
Classification: Uncertain significance for Hypertrophic cardiomyopathy 2. Last evaluated: 2023-11-04. Review status: criteria provided, single submitter. Criteria: ACMG Guidelines, 2015. Collection method: clinical testing. Allele origin: germline. Affected: no.

AiLife Diagnostics
Classification: Uncertain significance. Last evaluated: 2022-02-25. Review status: criteria provided, single submitter. Criteria: ACMG Guidelines, 2015. Collection method: clinical testing. Allele origin: germline. Affected: yes. Observed: 1 variant allele.

GeneDx
Classification: Uncertain significance. Last evaluated: 2018-05-09. Review status: criteria provided, single submitter. Criteria: GeneDx Variant Classification (06012015). Collection method: clinical testing. Allele origin: germline. Affected: yes.
Comment: The E33X variant of uncertain significance in the TNNT2 gene has not been published as pathogenic or been reported as benign to our knowledge. This variant is not observed at a significant frequency in large population cohorts (Lek et al., 2016). However, E33X was identified in 5 alleles from presumably unaffected individuals referred for genetic testing at GeneDx. The E33X variant is predicted to cause loss of normal protein function either by protein truncation or nonsense-mediated mRNA decay. However, only one nonsense variant in the TNNT2 gene has been reported in Human Gene Mutation Database in association with cardiomyopathy (Stenson et al., 2014), indicating loss of function is not a known mechanism for disease in the TNNT2 gene. Therefore, based on the currently available information, it is unclear whether this variant is pathogenic or benign.

Department of Pathology and Laboratory Medicine, Sinai Health System
Classification: Uncertain significance. Review status: no assertion criteria provided. Collection method: clinical testing. Allele origin: unknown. Affected: yes. Study: The Canadian Open Genetics Repository (COGR). Not counted in ClinVar's aggregate classification.
Comment: The TNNT2 p.Glu33* variant was not identified in the literature nor was it identified in LOVD 3.0. The variant was identified in dbSNP (ID: rs377474357) and ClinVar (classified as a VUS by GeneDx). The variant was identified in control databases in 1 of 251418 chromosomes at a frequency of 0.000003977 (Genome Aggregation Database March 6, 2019, v2.1.1). The variant was observed in the European (non-Finnish) population in 1 of 113716 chromosomes (freq: 0.000009) but was not observed in the African, Latino, Ashkenazi Jewish, East Asian, European (Finnish), Other or South Asian populations. The c.97G>T variant leads to a premature stop codon at position 33 which is predicted to lead to a truncated or absent protein and loss of function. It is currently unclear whether loss of function variants of the TNNT2 gene are a mechanism of disease. In summary, based on the above information the clinical significance of this variant cannot be determined with certainty at this time. This variant is classified as a variant of uncertain significance.

Literature cited by the submitters: PubMed 33087929 (cited by AiLife Diagnostics).